The following is an entry in ClinVar:

NM_000256.3(MYBPC3):c.592G>A (p.Asp198Asn)

Gene: MYBPC3 (myosin binding protein C3; minus strand). Cytogenetic location: 11p11.2.
Variant type: single nucleotide variant.
Coding change: c.592G>A on transcript NM_000256.3 (MANE Select); coding-DNA position 592, G replaced by A.
Protein change: p.Asp198Asn; replaces aspartic acid 198 with asparagine.
Molecular consequence: missense variant.
Genome position (GRCh38, 1-based): chr11:47,349,836, C>T on the plus strand (G>A on the coding strand, the complement: MYBPC3 is on the minus strand). VCF-style: chr11-47349836-C-T. GRCh37 (hg19) VCF-style: chr11-47371387-C-T.
Other names: short protein forms D198N.
Identifiers: ClinVar variation 927445 (VCV000927445.6), dbSNP rs2095898499, ClinGen allele CA380337656.

ClinVar aggregate classification (germline): Uncertain significance. Review status: criteria provided, multiple submitters, no conflicts (2 of 4 stars). 2 submissions from 2 submitters: Uncertain significance (2). Last evaluated 2023-12-05.

Conditions:
Left ventricular noncompaction 10 (LVNC10). Identifiers: Orphanet 154, Orphanet 54260, MedGen C3715165, MONDO:0014163, OMIM 615396.
Hypertrophic cardiomyopathy 4. Also called: Familial hypertrophic cardiomyopathy 4. Identifiers: MedGen C1861862, MONDO:0007268, OMIM 115197.
Cardiomyopathy (CMYO). Also called: Cardiomyopathies. Identifiers: Orphanet 167848, MedGen C0878544, MONDO:0004994, HP:0001638. Inheritance: Various modes of inheritance.

Submissions (2):

Color Diagnostics, LLC DBA Color Health
Classification: Uncertain significance for Cardiomyopathy. Last evaluated: 2023-12-05. Review status: criteria provided, single submitter. Criteria: ACMG Guidelines, 2015. Collection method: clinical testing. Allele origin: germline.
Comment: Variant of Uncertain Significance due to insufficient evidence: This missense variant is located in the Ig-like domain C1 of the MYBPC3 protein. Computational prediction tools and conservation analyses suggest that this variant may have deleterious impact on the protein function. Computational splicing tools suggest that this variant may not impact RNA splicing. To our knowledge, functional assays have not been performed for this variant nor has this variant been reported in individuals affected with cardiovascular disorders in the literature. This variant is rare in the general population and has been identified in 0/277264 chromosomes by the Genome Aggregation Database (gnomAD). Available evidence is insufficient to determine the pathogenicity of this variant conclusively.

Fulgent Genetics
Classification: Uncertain significance for Hypertrophic cardiomyopathy 4; Left ventricular noncompaction 10. Last evaluated: 2021-10-25. Review status: criteria provided, single submitter. Criteria: ACMG Guidelines, 2015. Collection method: clinical testing. Allele origin: unknown.